The following is an entry in ClinVar:

NM_001113378.2(FANCI):c.1293+1G>A

Gene: FANCI (FA complementation group I; plus strand). Cytogenetic location: 15q26.1.
Variant type: single nucleotide variant.
Coding change: c.1293+1G>A on transcript NM_001113378.2 (MANE Select); the canonical splice donor site of the intron after coding-DNA position 1293, G replaced by A.
Molecular consequence: splice donor variant.
Genome position (GRCh38, 1-based): chr15:89,276,892, G>A. VCF-style: chr15-89276892-G-A. GRCh37 (hg19) VCF-style: chr15-89820123-G-A.
Other names: c.1293+1G>A (NM_018193.3, NM_001376911.1); c.1014+1G>A (NM_001376910.1).
Identifiers: ClinVar variation 1466882 (VCV001466882.6), dbSNP rs768310043, ClinGen allele CA7722960.

ClinVar aggregate classification (germline): Likely pathogenic (1 of 4 stars; one submission).

Conditions:
Fanconi anemia (FA). Also called: Fanconi's anemia. Identifiers: Orphanet 84, MedGen C0015625, MeSH D005199, MONDO:0019391.

Allele frequency attached by ClinVar (database versions not stated): gnomAD exomes below 0.00001; ExAC 0.00001.
gnomAD v4.1: 1 of 1,614,122 alleles (0.000062%); highest among the groups gnomAD compares: East Asian, 0.0022%; no homozygotes.

Submission:

Labcorp Genetics (formerly Invitae), Labcorp
Classification: Likely pathogenic for Fanconi anemia. Last evaluated: 2023-10-13. Review status: criteria provided, single submitter. Criteria: Invitae Variant Classification Sherloc (09022015). Collection method: clinical testing. Allele origin: germline.
Comment: This sequence change affects a donor splice site in intron 13 of the FANCI gene. It is expected to disrupt RNA splicing. Variants that disrupt the donor or acceptor splice site typically lead to a loss of protein function (PMID: 16199547), and loss-of-function variants in FANCI are known to be pathogenic (PMID: 17452773, 17460694). This variant is present in population databases (rs768310043, gnomAD 0.006%). This variant has not been reported in the literature in individuals affected with FANCI-related conditions. ClinVar contains an entry for this variant (Variation ID: 1466882). Algorithms developed to predict the effect of sequence changes on RNA splicing suggest that this variant may disrupt the consensus splice site. In summary, the currently available evidence indicates that the variant is pathogenic, but additional data are needed to prove that conclusively. Therefore, this variant has been classified as Likely Pathogenic.

Literature cited by the submitters: PubMed 16199547; PubMed 17452773; PubMed 17460694.